The following is an entry in ClinVar:

ClinVar aggregate classification (germline): Likely pathogenic (1 of 4 stars; one submission).

Conditions:
Glycogen storage disease type III (GSD3). Also called: Cori disease; FORBES DISEASE. Identifiers: Orphanet 366, MedGen C0017922, MONDO:0009291, OMIM 232400.

Submission:

Neuberg Centre For Genomic Medicine, NCGM
Classification: Likely pathogenic for Glycogen storage disease type III. Review status: criteria provided, single submitter. Criteria: ACMG Guidelines, 2015. Collection method: clinical testing. Allele origin: germline. Inheritance: Autosomal recessive inheritance. Affected: yes.
Comment: The frameshift variant c.1883dup (p.Asn628LysfsTer2) in AGL gene has not been reported previously as a pathogenic variant nor as a benign variant, to our knowledge. The p.Asn628LysfsTer2 variant is novel (not in any individuals) in gnomAD Exomes and 1000 Genomes. This variant causes a frameshift starting with codon Asparagine 628, changes this amino acid to Lysine residue, and creates a premature Stop codon at position 2 of the new reading frame, denoted p.Asn628LysfsTer2. This variant is predicted to cause loss of normal protein function. Loss of function variants have been previously reported to be disease causing. For these reasons, this variant has been classified as Likely Pathogenic.

NM_000642.3(AGL):c.1883dup (p.Asn628fs)

Gene: AGL (amylo-alpha-1,6-glucosidase and 4-alpha-glucanotransferase; plus strand). Cytogenetic location: 1p21.2.
Variant type: Duplication.
Coding change: c.1883dup on transcript NM_000642.3 (MANE Select); coding-DNA position 1883, one base duplicated (A; older notation c.1883dupA).
Protein change: p.Asn628fs; shifts the reading frame from asparagine 628.
Molecular consequence: frameshift variant.
Genome position (GRCh38, 1-based): chr1:99,880,779, A duplicated; the last of 2 consecutive A bases (chr1:99,880,778-99,880,779); duplicating either gives the same sequence. VCF-style (leftmost placement, unchanged base first): chr1-99880777-T-TA. GRCh37 (hg19) VCF-style: chr1-100346333-T-TA.
Other names: c.1883dup, p.Asn628Lysfs (NM_000028.3, NM_000643.3, NM_000644.3 and 2 more transcripts); c.1835dup, p.Asn612Lysfs (NM_000646.3); c.1682dup, p.Asn561Lysfs (NM_001425327.1); c.1679dup, p.Asn560Lysfs (NM_001425328.1, NM_001425329.1); c.1505dup, p.Asn502Lysfs (NM_001425332.1); short protein forms N612fs, N628fs.
Identifiers: ClinVar variation 2584895 (VCV002584895.1), dbSNP rs2524644368, ClinGen allele CA2582341923.